The following is an entry in ClinVar:

ClinVar aggregate classification (germline): Uncertain significance. Review status: criteria provided, multiple submitters, no conflicts (2 of 4 stars). 2 submissions from 2 submitters: Uncertain significance (2). Last evaluated 2025-02-04.

Conditions:
Inborn genetic diseases. Identifiers: MedGen C0950123, MeSH D030342.
Baller-Gerold syndrome (BGS). Also called: CRANIOSYNOSTOSIS WITH RADIAL DEFECTS. Identifiers: Orphanet 1225, MedGen C0265308, MONDO:0009039, OMIM 218600.

Allele frequency attached by ClinVar (database versions not stated): TOPMed 0.00001.
gnomAD v4.1: 6 of 1,595,116 alleles (0.00038%); highest among the groups gnomAD compares: Non-Finnish European, 0.00051%; no homozygotes.

Submissions (2):

Ambry Genetics
Classification: Uncertain significance for Inborn genetic diseases. Last evaluated: 2025-02-04. Review status: criteria provided, single submitter. Criteria: Ambry Variant Classification Scheme 2023. Collection method: clinical testing. Allele origin: germline.
Comment: The p.P149R variant (also known as c.446C>G), located in coding exon 5 of the RECQL4 gene, results from a C to G substitution at nucleotide position 446. The proline at codon 149 is replaced by arginine, an amino acid with dissimilar properties. This amino acid position is conserved. In addition, this alteration is predicted to be tolerated by in silico analysis. Based on the available evidence, the clinical significance of this variant remains unclear.

Labcorp Genetics (formerly Invitae), Labcorp
Classification: Uncertain significance for Baller-Gerold syndrome. Last evaluated: 2023-11-08. Review status: criteria provided, single submitter. Criteria: Invitae Variant Classification Sherloc (09022015). Collection method: clinical testing. Allele origin: germline.
Comment: This sequence change replaces proline, which is neutral and non-polar, with arginine, which is basic and polar, at codon 149 of the RECQL4 protein (p.Pro149Arg). This variant is present in population databases (rs773579080, gnomAD no frequency). This variant has not been reported in the literature in individuals affected with RECQL4-related conditions. ClinVar contains an entry for this variant (Variation ID: 528929). Advanced modeling of protein sequence and biophysical properties (such as structural, functional, and spatial information, amino acid conservation, physicochemical variation, residue mobility, and thermodynamic stability) performed at Invitae indicates that this missense variant is not expected to disrupt RECQL4 protein function with a negative predictive value of 80%. In summary, the available evidence is currently insufficient to determine the role of this variant in disease. Therefore, it has been classified as a Variant of Uncertain Significance.

NM_004260.4(RECQL4):c.446C>G (p.Pro149Arg)

Gene: RECQL4 (RecQ like helicase 4; minus strand). Cytogenetic location: 8q24.3.
Variant type: single nucleotide variant.
Coding change: c.446C>G on transcript NM_004260.4 (MANE Select); coding-DNA position 446, C replaced by G.
Protein change: p.Pro149Arg; replaces proline 149 with arginine.
Molecular consequence: missense variant.
Genome position (GRCh38, 1-based): chr8:144,516,673, G>C on the plus strand (C>G on the coding strand, the complement: RECQL4 is on the minus strand). VCF-style: chr8-144516673-G-C. GRCh37 (hg19) VCF-style: chr8-145742057-G-C.
Other names: short protein forms P149R.
Identifiers: ClinVar variation 528929 (VCV000528929.7), dbSNP rs773579080, ClinGen allele CA4949289.